The following is an entry in ClinVar:

ClinVar aggregate classification (germline): Uncertain significance (1 of 4 stars; one submission).

Allele frequency attached by ClinVar (database versions not stated): TOPMed below 0.00001; ExAC 0.00001; gnomAD 0.00001; 1000 Genomes Project 30x 0.00016; 1000 Genomes Project 0.00020.

Submission:

Labcorp Genetics (formerly Invitae), Labcorp
Classification: Uncertain significance. Last evaluated: 2024-04-10. Review status: criteria provided, single submitter. Criteria: Invitae Variant Classification Sherloc (09022015). Collection method: clinical testing. Allele origin: germline.
Comment: This sequence change replaces asparagine, which is neutral and polar, with serine, which is neutral and polar, at codon 2201 of the SON protein (p.Asn2201Ser). This variant is present in population databases (rs537539256, gnomAD 0.007%). This variant has not been reported in the literature in individuals affected with SON-related conditions. Experimental studies and prediction algorithms are not available or were not evaluated, and the functional significance of this variant is currently unknown. In summary, the available evidence is currently insufficient to determine the role of this variant in disease. Therefore, it has been classified as a Variant of Uncertain Significance.

NM_138927.4(SON):c.6602A>G (p.Asn2201Ser)

Gene: SON (SON DNA and RNA binding protein; plus strand). Cytogenetic location: 21q22.11.
Variant type: single nucleotide variant.
Coding change: c.6602A>G on transcript NM_138927.4 (MANE Select); coding-DNA position 6602, A replaced by G.
Protein change: p.Asn2201Ser; replaces asparagine 2201 with serine.
Molecular consequence: missense variant. On other transcripts: non-coding transcript variant (1).
Genome position (GRCh38, 1-based): chr21:33,559,720, A>G. VCF-style: chr21-33559720-A-G. GRCh37 (hg19) VCF-style: chr21-34932026-A-G.
Other names: c.686A>G, p.Asn229Ser (NM_001291412.3, NM_001412132.1); c.6602A>G, p.Asn2201Ser (NM_001412133.1, NM_032195.3, NM_138926.1); c.*398A>G (NM_058183.2); short protein forms N2201S, N229S.
Identifiers: ClinVar variation 2885374 (VCV002885374.3), dbSNP rs537539256, ClinGen allele CA10009966.
Genomic context (GRCh38, chr21:33,559,720, plus strand): 5'-CTCAACATCGGAAAAAAGAAGCGGATAGTGTTTATGGAGAATGGGTTCCTGTGGAGAAAA[A>G]TGGTGAAGAAAACAAAGATGATGATAATGTTTTCAGCAGCAATTTGCCCTCAGAGGTAAG-3'
Protein context (NP_620305.3, residues 2191-2211): VYGEWVPVEK[Asn2201Ser]GEENKDDDNV